The following is an entry in ClinVar:

NM_019098.5(CNGB3):c.2107A>G (p.Lys703Glu)

Gene: CNGB3 (cyclic nucleotide gated channel subunit beta 3; minus strand). Cytogenetic location: 8q21.3.
Variant type: single nucleotide variant.
Coding change: c.2107A>G on transcript NM_019098.5 (MANE Select); coding-DNA position 2107, A replaced by G.
Protein change: p.Lys703Glu; replaces lysine 703 with glutamic acid.
Molecular consequence: missense variant.
Genome position (GRCh38, 1-based): chr8:86,576,127, T>C on the plus strand (A>G on the coding strand, the complement: CNGB3 is on the minus strand). VCF-style: chr8-86576127-T-C. GRCh37 (hg19) VCF-style: chr8-87588355-T-C.
Other names: short protein forms K703E.
Identifiers: ClinVar variation 840892 (VCV000840892.9), dbSNP rs748785588, ClinGen allele CA4799788.
Genomic context (GRCh38, chr8:86,576,127, plus strand): 5'-TTTCTTTTTGTTTATCTTCATTTTCTTTTCCTTCTTCCTCTCCTCCTTCAGAATTTTCTT[T>C]CTTCTGGAAGGAGCAATTACAAAGAACTGGTGTTGAAATCGTAATTAAAAACATTGGATT-3'
Protein context (NP_061971.3, residues 693-713): KLKREQAAQK[Lys703Glu]ENSEGGEEEG

ClinVar aggregate classification (germline): Uncertain significance. Review status: criteria provided, single submitter (1 of 4 stars). 2 submissions from 2 submitters: Uncertain significance (1). 1 of the submissions does not count toward it. Last evaluated 2025-01-23.

Conditions:
Achromatopsia. Also called: Rod monochromatism. Identifiers: Orphanet 49382, MedGen C0152200, MONDO:0018852, HP:0011516.

Allele frequency attached by ClinVar (database versions not stated): gnomAD exomes below 0.00001; TOPMed below 0.00001; ExAC 0.00001.

Submissions (2):

Labcorp Genetics (formerly Invitae), Labcorp
Classification: Uncertain significance. Last evaluated: 2025-01-23. Review status: criteria provided, single submitter. Criteria: Invitae Variant Classification Sherloc (09022015). Collection method: clinical testing. Allele origin: germline.
Comment: This sequence change replaces lysine, which is basic and polar, with glutamic acid, which is acidic and polar, at codon 703 of the CNGB3 protein (p.Lys703Glu). This variant is present in population databases (rs748785588, gnomAD 0.006%). This variant has not been reported in the literature in individuals affected with CNGB3-related conditions. ClinVar contains an entry for this variant (Variation ID: 840892). Invitae Evidence Modeling of protein sequence and biophysical properties (such as structural, functional, and spatial information, amino acid conservation, physicochemical variation, residue mobility, and thermodynamic stability) indicates that this missense variant is not expected to disrupt CNGB3 protein function with a negative predictive value of 95%. In summary, the available evidence is currently insufficient to determine the role of this variant in disease. Therefore, it has been classified as a Variant of Uncertain Significance.

Natera, Inc.
Classification: Uncertain significance for Achromatopsia. Last evaluated: 2021-09-22. Review status: no assertion criteria provided. Collection method: clinical testing. Allele origin: germline. Not counted in ClinVar's aggregate classification.